The following is an entry in ClinVar:

NM_005188.4(CBL):c.550G>A (p.Ala184Thr)

Gene: CBL (Cbl proto-oncogene; plus strand). Cytogenetic location: 11q23.3.
Variant type: single nucleotide variant.
Coding change: c.550G>A on transcript NM_005188.4 (MANE Select); coding-DNA position 550, G replaced by A.
Protein change: p.Ala184Thr; replaces alanine 184 with threonine.
Molecular consequence: missense variant.
Genome position (GRCh38, 1-based): chr11:119,271,841, G>A. VCF-style: chr11-119271841-G-A. GRCh37 (hg19) VCF-style: chr11-119142551-G-A.
Other names: short protein forms A184T.
Identifiers: ClinVar variation 2825951 (VCV002825951.3), dbSNP rs2496927536, ClinGen allele CA382907686.
Genomic context (GRCh38, chr11:119,271,841, plus strand): 5'-GAACTAAAAGGAATCTTTCCAAGTGGACTCTTTCAGGGAGACACATTTCGGATTACTAAA[G>A]CAGATGCTGCGGAATTTTGGAGAAAAGCTTTTGGGGAAAAGTAAGTCTCAGAATAATGAA-3'
Protein context (NP_005179.2, residues 174-194): FQGDTFRITK[Ala184Thr]DAAEFWRKAF

ClinVar aggregate classification (germline): Uncertain significance (1 of 4 stars; one submission).

Conditions:
RASopathy. Also called: rasopathies; Noonan spectrum disorder. Identifiers: Orphanet 536391, MedGen C5555857, MONDO:0021060.

Submission:

Labcorp Genetics (formerly Invitae), Labcorp
Classification: Uncertain significance for RASopathy. Last evaluated: 2024-12-09. Review status: criteria provided, single submitter. Criteria: Invitae Variant Classification Sherloc (09022015). Collection method: clinical testing. Allele origin: germline.
Comment: This sequence change replaces alanine, which is neutral and non-polar, with threonine, which is neutral and polar, at codon 184 of the CBL protein (p.Ala184Thr). This variant is not present in population databases (gnomAD no frequency). This variant has not been reported in the literature in individuals affected with CBL-related conditions. ClinVar contains an entry for this variant (Variation ID: 2825951). Invitae Evidence Modeling of protein sequence and biophysical properties (such as structural, functional, and spatial information, amino acid conservation, physicochemical variation, residue mobility, and thermodynamic stability) indicates that this missense variant is not expected to disrupt CBL protein function with a negative predictive value of 95%. In summary, the available evidence is currently insufficient to determine the role of this variant in disease. Therefore, it has been classified as a Variant of Uncertain Significance.